The following is an entry in ClinVar:

ClinVar aggregate classification (germline): Uncertain significance. Review status: criteria provided, multiple submitters, no conflicts (2 of 4 stars). 2 submissions from 2 submitters: Uncertain significance (2). Last evaluated 2024-11-15.

Conditions:
Loeys-Dietz syndrome 2 (LDS2). Also called: Marfan Syndrome type 2; Marfan like connective tissue disorder; MFS 2; TGFBR2-Related Loeys-Dietz Syndrome; Marfan syndrome, type 2 (formerly); AORTIC ANEURYSM, FAMILIAL THORACIC 3. Identifiers: Orphanet 284973, Orphanet 558, MedGen C2674574, MONDO:0012427, OMIM 610168.

Allele frequency attached by ClinVar (database versions not stated): TOPMed below 0.00001.

Submissions (2):

Ambry Genetics
Classification: Uncertain significance. Last evaluated: 2024-11-15. Review status: criteria provided, single submitter. Criteria: Ambry Variant Classification Scheme 2023. Collection method: clinical testing. Allele origin: germline.

Labcorp Genetics (formerly Invitae), Labcorp
Classification: Uncertain significance for Loeys-Dietz syndrome 2. Last evaluated: 2023-08-11. Review status: criteria provided, single submitter. Criteria: Invitae Variant Classification Sherloc (09022015). Collection method: clinical testing. Allele origin: germline.
Comment: This sequence change replaces glutamic acid, which is acidic and polar, with aspartic acid, which is acidic and polar, at codon 70 of the TMPO protein (p.Glu70Asp). This variant is not present in population databases (gnomAD no frequency). This variant has not been reported in the literature in individuals affected with TMPO-related conditions. ClinVar contains an entry for this variant (Variation ID: 2065185). An algorithm developed to predict the effect of missense changes on protein structure and function (PolyPhen-2) suggests that this variant is likely to be disruptive. In summary, the available evidence is currently insufficient to determine the role of this variant in disease. Therefore, it has been classified as a Variant of Uncertain Significance.

NM_001032283.3(TMPO):c.210G>T (p.Glu70Asp)

Genes: TMPO (thymopoietin; plus strand), TMPO-AS1 (TMPO antisense RNA 1; minus strand). Cytogenetic location: 12q23.1.
Variant type: single nucleotide variant.
Coding change: c.210G>T on transcript NM_001032283.3 (MANE Select); coding-DNA position 210, G replaced by T.
Protein change: p.Glu70Asp; replaces glutamic acid 70 with aspartic acid.
Molecular consequence: missense variant. On other transcripts: non-coding transcript variant (1).
Genome position (GRCh38, 1-based): chr12:98,516,077, G>T. VCF-style: chr12-98516077-G-T. GRCh37 (hg19) VCF-style: chr12-98909855-G-T.
Other names: c.210G>T, p.Glu70Asp (NM_001032284.3, NM_001307975.2, NM_003276.2); short protein forms E70D.
Identifiers: ClinVar variation 2065185 (VCV002065185.5), dbSNP rs1875768808, ClinGen allele CA386239666.
Genomic context (GRCh38, chr12:98,516,077, plus strand): 5'-GCCGCCGCTCCCCGCCGGCACCAACAGCAAGGGGCCCCCGGACTTCTCCAGTGACGAAGA[G>T]CGCGAGCCCACCCCGGTCCTCGGCTCTGGGGCCGCCGCCGCGGGCCGGAGCCGAGCAGCC-3'
Protein context (NP_001027454.1, residues 60-80): KGPPDFSSDE[Glu70Asp]REPTPVLGSG